The following is an entry in ClinVar:

NM_015690.5(STK36):c.1527C>T (p.Leu509=)

Gene: STK36 (serine/threonine kinase 36; plus strand). Cytogenetic location: 2q35.
Variant type: single nucleotide variant.
Coding change: c.1527C>T on transcript NM_015690.5 (MANE Select); coding-DNA position 1527, C replaced by T.
Protein change: p.Leu509=; no amino-acid change (leucine 509 retained).
Molecular consequence: synonymous variant.
Genome position (GRCh38, 1-based): chr2:218,688,843, C>T. VCF-style: chr2-218688843-C-T. GRCh37 (hg19) VCF-style: chr2-219553566-C-T.
Other names: c.1527C>T, p.Leu509= (NM_001243313.2, NM_001369423.1).
Identifiers: ClinVar variation 3052934 (VCV003052934.3), dbSNP rs143241750, ClinGen allele CA2110822.
Genomic context (GRCh38, chr2:218,688,843, plus strand): 5'-TGTTGCCTTGTATTCCTTCTGCCGGGAGGCAGGGCTTCCTGGGCTGCTGCTGAGTCTACT[C>T]AGGCACAGTCAGGAGAGCAACAGCCTCCAGCAGGTAAGCACCAGGCCAGAAGCCTCTGAA-3'
Protein context (NP_056505.2, residues 499-519): AGLPGLLLSL[Leu509=]RHSQESNSLQ

ClinVar aggregate classification (germline): Likely benign. Review status: criteria provided, single submitter (1 of 4 stars). 2 submissions from 2 submitters: Likely benign (1). 1 of the submissions does not count toward it. Last evaluated 2024-10-28.

Conditions:
STK36-related disorder. Also called: STK36-related condition.

Allele frequency attached by ClinVar (database versions not stated): gnomAD 0.00005; TOPMed 0.00010; 1000 Genomes Project 30x 0.00016; 1000 Genomes Project 0.00020; ESP Exome Variant Server 0.00023.
gnomAD v4.1: 355 of 1,612,698 alleles (0.022%); highest among the groups gnomAD compares: Non-Finnish European, 0.029%; no homozygotes.

Submissions (2):

Blueprint Genetics
Classification: Likely benign. Last evaluated: 2024-10-28. Review status: criteria provided, single submitter. Criteria: ACMG Guidelines, 2015. Collection method: clinical testing. Allele origin: germline.

PreventionGenetics, part of Exact Sciences
Classification: Likely benign for STK36-related condition. Last evaluated: 2019-08-28. Review status: no assertion criteria provided. Collection method: clinical testing. Allele origin: germline. Not counted in ClinVar's aggregate classification.
Comment: This variant is classified as likely benign based on ACMG/AMP sequence variant interpretation guidelines (Richards et al. 2015 PMID: 25741868, with internal and published modifications).